The following is an entry in ClinVar:

NM_001384732.1(CPLANE1):c.716_717del (p.Cys239fs)

Gene: CPLANE1 (ciliogenesis and planar polarity effector complex subunit 1; minus strand). Cytogenetic location: 5p13.2.
Variant type: Deletion.
Coding change: c.716_717del on transcript NM_001384732.1 (MANE Select); coding-DNA positions 716 to 717, 2 bases deleted (GT; older notation c.716_717delGT).
Protein change: p.Cys239fs; shifts the reading frame from cysteine 239.
Molecular consequence: frameshift variant.
Genome position (GRCh38, 1-based): chr5:37,239,830-37,239,831, AC deleted on the plus strand (GT on the coding strand, the reverse complement: CPLANE1 is on the minus strand); deleting any 2 consecutive bases within chr5:37,239,830-37,239,832 gives the same sequence; the c. name uses the placement nearest the transcript's 3' end. VCF-style (leftmost placement, unchanged base first): chr5-37239829-GAC-G. GRCh37 (hg19) VCF-style: chr5-37239931-GAC-G.
Other names: c.716_717del, p.Cys239fs (NM_023073.4); short protein forms C239fs.
Identifiers: ClinVar variation 3703633 (VCV003703633.2).

ClinVar aggregate classification (germline): Pathogenic (1 of 4 stars; one submission).

Submission:

Labcorp Genetics (formerly Invitae), Labcorp
Classification: Pathogenic. Last evaluated: 2024-05-07. Review status: criteria provided, single submitter. Criteria: Invitae Variant Classification Sherloc (09022015). Collection method: clinical testing. Allele origin: germline.
Comment: This sequence change creates a premature translational stop signal (p.Cys239Serfs*4) in the CPLANE1 gene. It is expected to result in an absent or disrupted protein product. Loss-of-function variants in CPLANE1 are known to be pathogenic (PMID: 24178751, 26092869). This variant is not present in population databases (gnomAD no frequency). This variant has not been reported in the literature in individuals affected with CPLANE1-related conditions. For these reasons, this variant has been classified as Pathogenic.

Literature cited by the submitters: PubMed 24178751; PubMed 26092869.